The following is an entry in ClinVar:

ClinVar aggregate classification (germline): Uncertain significance (1 of 4 stars; one submission).

Submission:

Ambry Genetics
Classification: Uncertain significance. Last evaluated: 2025-03-01. Review status: criteria provided, single submitter. Criteria: Ambry Variant Classification Scheme 2023. Collection method: clinical testing. Allele origin: germline.
Comment: Does not currently meet published gene-disease clinical validity criteria Based on insufficient or conflicting evidence, the clinical significance of this alteration remains unclear.

Literature cited by the submitters: PubMed 28106320.

NM_020750.3(XPO5):c.1478G>A (p.Cys493Tyr)

Genes: POLR1C (RNA polymerase I and III subunit C; plus strand), XPO5 (exportin 5; minus strand). Cytogenetic location: 6p21.1.
Variant type: single nucleotide variant.
Coding change: c.1478G>A on transcript NM_020750.3 (MANE Select); coding-DNA position 1478, G replaced by A.
Protein change: p.Cys493Tyr; replaces cysteine 493 with tyrosine.
Molecular consequence: missense variant. On other transcripts: non-coding transcript variant (1), intron variant (1).
Genome position (GRCh38, 1-based): chr6:43,553,467, C>T on the plus strand (G>A on the coding strand, the complement: XPO5 is on the minus strand). VCF-style: chr6-43553467-C-T. GRCh37 (hg19) VCF-style: chr6-43521204-C-T.
Other names: c.*42+2456C>T (NM_001363658.2); short protein forms C493Y.
Identifiers: ClinVar variation 3817792 (VCV003817792.1).